The following is an entry in ClinVar:

NM_000238.4(KCNH2):c.568G>A (p.Ala190Thr)

Gene: KCNH2 (potassium voltage-gated channel subfamily H member 2; minus strand). Cytogenetic location: 7q36.1.
Variant type: single nucleotide variant.
Coding change: c.568G>A on transcript NM_000238.4 (MANE Select); coding-DNA position 568, G replaced by A.
Protein change: p.Ala190Thr; replaces alanine 190 with threonine.
Molecular consequence: missense variant.
Genome position (GRCh38, 1-based): chr7:150,958,407, C>T on the plus strand (G>A on the coding strand, the complement: KCNH2 is on the minus strand). VCF-style: chr7-150958407-C-T. GRCh37 (hg19) VCF-style: chr7-150655495-C-T.
Other names: c.568G>A (LRG_288t1); c.280G>A, p.Ala94Thr (NM_001406753.1, NM_001406756.1); c.391G>A, p.Ala131Thr (NM_001406755.1); c.268G>A, p.Ala90Thr (NM_001406757.1); c.568G>A, p.Ala190Thr (NM_172056.3); short protein forms A190T, A131T, A94T, A90T.
Identifiers: ClinVar variation 67512 (VCV000067512.20), dbSNP rs150817714, ClinGen allele CA008604.

ClinVar aggregate classification (germline): Conflicting classifications of pathogenicity. Review status: criteria provided, conflicting classifications (1 of 4 stars). 8 submissions from 8 submitters: Uncertain significance (2); Benign (1); Likely benign (3). 2 of the submissions do not count toward it. Last evaluated 2026-08-01.

Conditions:
KCNH2-related disorder. Also called: KCNH2-related disorders; KCNH2-related condition.
Cardiovascular phenotype. Identifiers: MedGen CN230736.
Short QT syndrome type 1. Identifiers: Orphanet 51083, MedGen C1865020, MONDO:0012312, OMIM 609620.
Long QT syndrome 2 (LQT2). Identifiers: Orphanet 101016, Orphanet 768, MedGen C3150943, MONDO:0013367, OMIM 613688.
Long QT syndrome (LQTS). Identifiers: MedGen C0023976, MeSH D008133, MONDO:0002442. Disease mechanism: loss of function. Inheritance: Various modes of inheritance.

Allele frequency attached by ClinVar (database versions not stated): gnomAD 0.00072 and 0.00076; TOPMed 0.00087; ExAC below 0.00001; gnomAD exomes 0.00006 and 0.00014.
gnomAD v4.1: 187 of 1,428,080 alleles (0.013%); highest among the groups gnomAD compares: African/African-American, 0.25%; no homozygotes.

Submissions (8):

CeGaT Center for Human Genetics Tuebingen
Classification: Likely benign. Last evaluated: 2026-08-01. Review status: criteria provided, single submitter. Criteria: CeGaT Center For Human Genetics Tuebingen Variant Classification Criteria Version 2. Collection method: clinical testing. Allele origin: germline. Affected: yes. Observed: 2 variant alleles.
Comment: KCNH2: BS1

Labcorp Genetics (formerly Invitae), Labcorp
Classification: Uncertain significance for Long QT syndrome. Last evaluated: 2026-01-31. Review status: criteria provided, single submitter. Criteria: Invitae Variant Classification Sherloc (09022015). Collection method: clinical testing. Allele origin: germline.
Comment: This sequence change replaces alanine, which is neutral and non-polar, with threonine, which is neutral and polar, at codon 190 of the KCNH2 protein (p.Ala190Thr). The frequency data for this variant in the population databases is considered unreliable, as metrics indicate poor data quality at this position in the gnomAD database. This missense change has been observed in individual(s) with sudden infant death syndrome (PMID: 29752375). ClinVar contains an entry for this variant (Variation ID: 67512). An algorithm developed to predict the effect of missense changes on protein structure and function (PolyPhen-2) suggests that this variant is likely to be tolerated. In summary, the available evidence is currently insufficient to determine the role of this variant in disease. Therefore, it has been classified as a Variant of Uncertain Significance.

Ambry Genetics
Classification: Likely benign for Cardiovascular phenotype. Last evaluated: 2020-08-25. Review status: criteria provided, single submitter. Criteria: Ambry Variant Classification Scheme 2023. Collection method: clinical testing. Allele origin: germline.

Molecular Diagnostic Laboratory for Inherited Cardiovascular Disease, Montreal Heart Institute
Classification: Likely benign. Last evaluated: 2020-03-03. Review status: criteria provided, single submitter. Criteria: ACMG Guidelines, 2015. Collection method: clinical testing. Allele origin: germline. Affected: yes.

Fulgent Genetics
Classification: Uncertain significance for Short QT syndrome type 1; Long QT syndrome 2. Last evaluated: 2018-10-31. Review status: criteria provided, single submitter. Criteria: ACMG Guidelines, 2015. Collection method: clinical testing. Allele origin: unknown.

Women's Health and Genetics/Laboratory Corporation of America, LabCorp
Classification: Benign. Last evaluated: 2018-03-06. Review status: criteria provided, single submitter. Criteria: LabCorp Variant Classification Summary - May 2015. Collection method: clinical testing. Allele origin: germline.
Comment: Variant summary: KCNH2 c.568G>A (p.Ala190Thr) results in a non-conservative amino acid change in the encoded protein sequence. Three of five in-silico tools predict a benign effect of the variant on protein function. The variant was observed with an allele frequency of 0.00085 in 31934 control chromosomes (gnomAD and publication controls). The observed variant frequency within African control individuals in the gnomAD database is approximately 28 fold of the estimated maximal expected allele frequency for a pathogenic variant in KCNH2 causing Arrhythmia phenotype (0.0001), strongly suggesting that the variant is a benign polymorphism found primarily in populations of African origin. The variant, c.568G>A, has been reported in the literature in individuals affected with Arrhythmia. These report(s) do not provide unequivocal conclusions about association of the variant with Arrhythmia. To our knowledge, no experimental evidence demonstrating an impact on protein function has been reported. A ClinVar submission from a clinical diagnostic laboratory (evaluation after 2014) cites variant as "uncertain significance." Based on the evidence outlined above, the variant was classified as benign.

PreventionGenetics, part of Exact Sciences
Classification: Likely benign for KCNH2-related condition. Last evaluated: 2019-08-07. Review status: no assertion criteria provided. Collection method: clinical testing. Allele origin: germline. Not counted in ClinVar's aggregate classification.
Comment: This variant is classified as likely benign based on ACMG/AMP sequence variant interpretation guidelines (Richards et al. 2015 PMID: 25741868, with internal and published modifications).

Cardiovascular Biomedical Research Unit, Royal Brompton & Harefield NHS Foundation Trust
No classification provided. Review status: no classification provided. Collection method: literature only. Allele origin: germline. Not counted in ClinVar's aggregate classification.
Comment: This variant has been reported in the following publications (PMID:14661677;PMID:19841300).

Literature cited by the submitters: PubMed 29752375 (cited by Labcorp Genetics (formerly Invitae), Labcorp); PubMed 14661677 (cited by 3 submitters); PubMed 19841300 (cited by Ambry Genetics and Cardiovascular Biomedical Research Unit, Royal Brompton & Harefield NHS Foundation Trust); PubMed 22949429 (cited by Ambry Genetics); PubMed 25649125 (cited by Women's Health and Genetics/Laboratory Corporation of America, LabCorp); PubMed 22581653 (cited by Cardiovascular Biomedical Research Unit, Royal Brompton & Harefield NHS Foundation Trust).